The following is an entry in ClinVar:

NM_178014.4(TUBB):c.859C>T (p.Pro287Ser)

Gene: TUBB (tubulin beta class I; plus strand). Cytogenetic location: 6p21.33.
Variant type: single nucleotide variant.
Coding change: c.859C>T on transcript NM_178014.4 (MANE Select); coding-DNA position 859, C replaced by T.
Protein change: p.Pro287Ser; replaces proline 287 with serine.
Molecular consequence: missense variant. On other transcripts: intron variant (1).
Genome position (GRCh38, 1-based): chr6:30,723,921, C>T. VCF-style: chr6-30723921-C-T. GRCh37 (hg19) VCF-style: chr6-30691698-C-T.
Other names: c.919C>T, p.Pro307Ser (NM_001293212.2); c.727C>T, p.Pro243Ser (NM_001293214.2); c.643C>T, p.Pro215Ser (NM_001293215.2, NM_001293216.2); c.370-117C>T (NM_001293213.2); short protein forms P215S, P243S, P287S, P307S.
Identifiers: ClinVar variation 2662647 (VCV002662647.1), dbSNP rs2536608888, ClinGen allele CA363148892.

ClinVar aggregate classification (germline): Pathogenic (1 of 4 stars; one submission).

Submission:

GeneDx
Classification: Pathogenic. Last evaluated: 2023-10-25. Review status: criteria provided, single submitter. Criteria: GeneDx Variant Classification Process June 2021. Collection method: clinical testing. Allele origin: germline. Affected: yes.
Comment: Not observed in large population cohorts (gnomAD); In silico analysis supports that this missense variant has a deleterious effect on protein structure/function; Has not been previously published as pathogenic or benign to our knowledge; This variant is associated with the following publications: (PMID: 36305856, 29671837, 29706646)